The following is an entry in ClinVar:

ClinVar aggregate classification (germline): Likely benign. Review status: criteria provided, single submitter (1 of 4 stars). 2 submissions from 2 submitters: Likely benign (1). 1 of the submissions does not count toward it. Last evaluated 2024-03-27.

Conditions:
MATR3-related disorder. Also called: MATR3-related condition.
Amyotrophic lateral sclerosis type 21. Also called: VOCAL CORD AND PHARYNGEAL DYSFUNCTION WITH DISTAL MYOPATHY; MYOPATHY, DISTAL, 2. Identifiers: Orphanet 600, Orphanet 803, MedGen C3807521, MONDO:0011632, OMIM 606070.

Allele frequency attached by ClinVar (database versions not stated): ExAC 0.00001; gnomAD exomes 0.00001.
gnomAD v4.1: 15 of 1,614,166 alleles (0.00093%); highest among the groups gnomAD compares: Non-Finnish European, 0.0012%; no homozygotes.

Submissions (2):

Labcorp Genetics (formerly Invitae), Labcorp
Classification: Likely benign for Amyotrophic lateral sclerosis type 21. Last evaluated: 2024-03-27. Review status: criteria provided, single submitter. Criteria: Invitae Variant Classification Sherloc (09022015). Collection method: clinical testing. Allele origin: germline.

PreventionGenetics, part of Exact Sciences
Classification: Likely benign for MATR3-related condition. Last evaluated: 2023-07-06. Review status: no assertion criteria provided. Collection method: clinical testing. Allele origin: germline. Not counted in ClinVar's aggregate classification.
Comment: This variant is classified as likely benign based on ACMG/AMP sequence variant interpretation guidelines (Richards et al. 2015 PMID: 25741868, with internal and published modifications).

NM_018834.6(MATR3):c.1953T>C (p.Leu651=)

Genes: MATR3 (matrin 3; plus strand), LOC126807526 (CDK7 strongly-dependent group 2 enhancer GRCh37_chr5:138657767-138658966; plus strand). Cytogenetic location: 5q31.2.
Variant type: single nucleotide variant.
Coding change: c.1953T>C on transcript NM_018834.6 (MANE Select); coding-DNA position 1953, T replaced by C.
Protein change: p.Leu651=; no amino-acid change (leucine 651 retained).
Molecular consequence: synonymous variant.
Genome position (GRCh38, 1-based): chr5:139,322,772, T>C. VCF-style: chr5-139322772-T-C. GRCh37 (hg19) VCF-style: chr5-138658461-T-C.
Other names: c.1953T>C, p.Leu651= (NM_001194954.2, NM_001194955.2, NM_199189.3); c.1089T>C, p.Leu363= (NM_001194956.2); c.939T>C, p.Leu313= (NM_001282278.2).
Identifiers: ClinVar variation 541138 (VCV000541138.14), dbSNP rs770765421, ClinGen allele CA3433279.